The following is an entry in ClinVar:

NM_001009944.3(PKD1):c.7266A>G (p.Thr2422=)

Gene: PKD1 (polycystin 1, transient receptor potential channel interacting; minus strand). Cytogenetic location: 16p13.3.
Variant type: single nucleotide variant.
Coding change: c.7266A>G on transcript NM_001009944.3 (MANE Select); coding-DNA position 7266, A replaced by G.
Protein change: p.Thr2422=; no amino-acid change (threonine 2422 retained).
Molecular consequence: synonymous variant.
Genome position (GRCh38, 1-based): chr16:2,106,621, T>C on the plus strand (A>G on the coding strand, the complement: PKD1 is on the minus strand). VCF-style: chr16-2106621-T-C. GRCh37 (hg19) VCF-style: chr16-2156622-T-C.
Other names: c.7266A>G, p.Thr2422= (NM_000296.4).
Identifiers: ClinVar variation 5040555 (VCV005040555.1).

ClinVar aggregate classification (germline): Likely benign (1 of 4 stars; one submission).

gnomAD v4.1: 1 of 1,598,616 alleles (0.000063%); highest among the groups gnomAD compares: Non-Finnish European, 0.000085%; no homozygotes.

Submission:

CeGaT Center for Human Genetics Tuebingen
Classification: Likely benign. Last evaluated: 2026-08-01. Review status: criteria provided, single submitter. Criteria: CeGaT Center For Human Genetics Tuebingen Variant Classification Criteria Version 2. Collection method: clinical testing. Allele origin: germline. Affected: yes. Observed: 1 variant allele.
Comment: PKD1: BP4, BP7